The following is an entry in ClinVar:

NM_000138.5(FBN1):c.2797_2807del (p.Phe933fs)

Gene: FBN1 (fibrillin 1; minus strand). Cytogenetic location: 15q21.1.
Variant type: Deletion.
Coding change: c.2797_2807del on transcript NM_000138.5 (MANE Select); coding-DNA positions 2797 to 2807, 11 bases deleted (TTCAAGTGTCA).
Protein change: p.Phe933fs; shifts the reading frame from phenylalanine 933.
Molecular consequence: frameshift variant.
Genome position (GRCh38, 1-based): chr15:48,492,508-48,492,518, TGACACTTGAA deleted on the plus strand (TTCAAGTGTCA on the coding strand, the reverse complement: FBN1 is on the minus strand); deleting any 11 consecutive bases within chr15:48,492,508-48,492,522 gives the same sequence; the c. name uses the placement nearest the transcript's 3' end. VCF-style (leftmost placement, unchanged base first): chr15-48492507-CTGACACTTGAA-C. GRCh37 (hg19) VCF-style: chr15-48784704-CTGACACTTGAA-C.
Other names: c.2797_2807del, p.Phe933fs (NM_001406716.1); c.2797_2807delTTCAAGTGTCA (NM_000138.5); short protein forms F933fs.
Identifiers: ClinVar variation 3902827 (VCV003902827.1).

ClinVar aggregate classification (germline): Pathogenic (1 of 4 stars; one submission).

Conditions:
Marfan syndrome (MFS). Also called: MARFAN SYNDROME, TYPE I; Marfan syndrome type 1; Marfan's syndrome; Marfan syndrome, classic; FBN1-Related Marfan Syndrome. Identifiers: Orphanet 284963, Orphanet 558, MedGen C0024796, MONDO:0007947, OMIM 154700.

Submission:

Human Genetics Unit, University Of Colombo
Classification: Pathogenic for Marfan syndrome. Last evaluated: 2023-04-03. Review status: criteria provided, single submitter. Criteria: ACMG Guidelines, 2015. Collection method: clinical testing. Allele origin: germline. Affected: yes. Observed: 1 variant allele.
Comment: The NM_000138.5:c.2797_2807delTTCAAGGTGCA is a frameshift variant in the FBN1 gene, predicted to result in a premature termination of the protein (p.Phe933Valfs*16). Null variant (frame-shift) in gene FBN1, predicted to cause NMD. Loss-of-function is a known mechanism of disease (gene has 1 839 reported pathogenic LOF variants). The exon affects 1 functional domain: UniProt protein P35555 domain 'EGF-like 14'. The exon contains 48 pathogenic variants. The truncated region contains 2 599 pathogenic variants [PVS1]. In summary, this variant meets criteria to be classified as pathogenic based on ACMG/AMP guidelines: PVS1_VeryStrong, PP4_Strong, and PM2_Supporting.